The following is an entry in ClinVar:

ClinVar aggregate classification (germline): Uncertain significance. Review status: criteria provided, multiple submitters, no conflicts (2 of 4 stars). 3 submissions from 3 submitters: Uncertain significance (2). 1 of the submissions does not count toward it. Last evaluated 2024-06-20.

Conditions:
Muscular dystrophy. Identifiers: Orphanet 98473, MedGen C0026850, MeSH D009136, MONDO:0020121, HP:0003560.
Leber congenital amaurosis (LCA). Also called: Leber's amaurosis. Identifiers: Orphanet 65, MedGen C0339527, MeSH D057130, MONDO:0018998.

Allele frequency attached by ClinVar (database versions not stated): TOPMed below 0.00001; gnomAD exomes 0.00001.
gnomAD v4.1: 23 of 1,525,338 alleles (0.0015%); highest among the groups gnomAD compares: Middle Eastern, 0.017%; no homozygotes.

Submissions (3):

Blueprint Genetics
Classification: Uncertain significance. Last evaluated: 2024-06-20. Review status: criteria provided, single submitter. Criteria: ACMG Guidelines, 2015. Collection method: clinical testing. Allele origin: germline.

Labcorp Genetics (formerly Invitae), Labcorp
Classification: Uncertain significance. Last evaluated: 2024-01-04. Review status: criteria provided, single submitter. Criteria: Invitae Variant Classification Sherloc (09022015). Collection method: clinical testing. Allele origin: germline.
Comment: This sequence change affects the initiator methionine of the DTHD1 mRNA. The next in-frame methionine is located at codon 41. This variant is present in population databases (no rsID available, gnomAD 0.005%). Disruption of the initiator codon has been observed in individual(s) with Leber congenital amaurosis (PMID: 23105016). ClinVar contains an entry for this variant (Variation ID: 242990). In summary, the available evidence is currently insufficient to determine the role of this variant in disease. Therefore, it has been classified as a Variant of Uncertain Significance.

OMIM
Classification: Uncertain significance for VARIANT OF UNKNOWN SIGNIFICANCE. Last evaluated: 2013-02-01. Review status: no assertion criteria provided. Collection method: literature only. Allele origin: germline. Not counted in ClinVar's aggregate classification.

Literature cited by the submitters: PubMed 23105016 (cited by Labcorp Genetics (formerly Invitae), Labcorp and OMIM).

NM_001170700.3(DTHD1):c.256T>C (p.Cys86Arg)

Gene: DTHD1 (death domain containing 1; plus strand). Cytogenetic location: 4p14.
Variant type: single nucleotide variant.
Coding change: c.256T>C on transcript NM_001170700.3 (MANE Select); coding-DNA position 256, T replaced by C.
Protein change: p.Cys86Arg; replaces cysteine 86 with arginine.
Molecular consequence: missense variant. On other transcripts: initiator codon variant (1), non-coding transcript variant (1).
Genome position (GRCh38, 1-based): chr4:36,282,014, T>C. VCF-style: chr4-36282014-T-C. GRCh37 (hg19) VCF-style: chr4-36283636-T-C.
Other names: c.2T>C, p.Met1Thr (NM_001136536.5); short protein forms M1T, C86R.
Identifiers: ClinVar variation 242990 (VCV000242990.11), dbSNP rs886037840, ClinGen allele CA10584045.